The following is an entry in ClinVar:

NM_001126108.2(SLC12A3):c.2269del (p.Tyr757fs)

Gene: SLC12A3 (solute carrier family 12 member 3; plus strand). Cytogenetic location: 16q13.
Variant type: Deletion.
Coding change: c.2269del on transcript NM_001126108.2 (MANE Select); coding-DNA position 2269, one base deleted (T; older notation c.2269delT).
Protein change: p.Tyr757fs; shifts the reading frame from tyrosine 757.
Molecular consequence: frameshift variant.
Genome position (GRCh38, 1-based): chr16:56,888,015, T deleted. VCF-style (leftmost placement, unchanged base first): chr16-56888014-CT-C. GRCh37 (hg19) VCF-style: chr16-56921926-CT-C.
Other names: c.2269del, p.Tyr757fs (NM_000339.3); c.2266del, p.Tyr756fs (NM_001126107.2); short protein forms Y756fs, Y757fs.
Identifiers: ClinVar variation 1456496 (VCV001456496.6), dbSNP rs2144733156, ClinGen allele CA2573152373.
Genomic context (GRCh38, chr16:56,888,014, plus strand): 5'-CATTCTGGTGGTTGGGTTCAAGAAGAACTGGCAGTCGGCTCACCCGGCCACAGTGGAAGA[CT>C]ACATTGGCATCCTCCAGTGAGTCGGGGGAGAGGAAGGGGCTTGGGGTCTGTTAATTTGGG-3'

ClinVar aggregate classification (germline): Pathogenic (1 of 4 stars; one submission).

Submission:

Labcorp Genetics (formerly Invitae), Labcorp
Classification: Pathogenic. Last evaluated: 2021-02-10. Review status: criteria provided, single submitter. Criteria: Invitae Variant Classification Sherloc (09022015). Collection method: clinical testing. Allele origin: germline.
Comment: This sequence change creates a premature translational stop signal (p.Tyr757Thrfs*18) in the SLC12A3 gene. It is expected to result in an absent or disrupted protein product. Loss-of-function variants in SLC12A3 are known to be pathogenic (PMID: 20848653, 22009145, 25841442). For these reasons, this variant has been classified as Pathogenic. This variant has not been reported in the literature in individuals with SLC12A3-related conditions. This variant is not present in population databases (ExAC no frequency).

Literature cited by the submitters: PubMed 20848653; PubMed 22009145; PubMed 25841442.